The following is an entry in ClinVar:

ClinVar aggregate classification (germline): Pathogenic (1 of 4 stars; one submission).

Submission:

GeneDx
Classification: Pathogenic. Last evaluated: 2024-11-19. Review status: criteria provided, single submitter. Criteria: GeneDx Variant Classification Process June 2021. Collection method: clinical testing. Allele origin: germline. Affected: yes.
Comment: Frameshift variant predicted to result in protein truncation or nonsense mediated decay in a gene for which loss of function is a known mechanism of disease; Not observed at significant frequency in large population cohorts (gnomAD); This variant is associated with the following publications: (PMID: 38296632, 17221874)

NM_002968.3(SALL1):c.3019_3032dup (p.Cys1012fs)

Gene: SALL1 (spalt like transcription factor 1; minus strand). Cytogenetic location: 16q12.1.
Variant type: Duplication.
Coding change: c.3019_3032dup on transcript NM_002968.3 (MANE Select); coding-DNA positions 3019 to 3032, 14 bases duplicated (GGCAAAACATTTGC).
Protein change: p.Cys1012fs; shifts the reading frame from cysteine 1012.
Molecular consequence: frameshift variant.
Genome position (GRCh38, 1-based): chr16:51,139,190-51,139,203, GCAAATGTTTTGCC duplicated on the plus strand (GGCAAAACATTTGC on the coding strand, the reverse complement: SALL1 is on the minus strand). VCF-style (leftmost placement, unchanged base first): chr16-51139189-A-AGCAAATGTTTTGCC. GRCh37 (hg19) VCF-style: chr16-51173100-A-AGCAAATGTTTTGCC.
Other names: c.2728_2741dup, p.Cys915fs (NM_001127892.2); short protein forms C1012fs, C915fs.
Identifiers: ClinVar variation 3899465 (VCV003899465.1).